The following is an entry in ClinVar:

NM_001276345.2(TNNT2):c.46C>A (p.Gln16Lys)

Gene: TNNT2 (troponin T2, cardiac type; minus strand). Cytogenetic location: 1q32.1.
Variant type: single nucleotide variant.
Coding change: c.46C>A on transcript NM_001276345.2 (MANE Select); coding-DNA position 46, C replaced by A.
Protein change: p.Gln16Lys; replaces glutamine 16 with lysine.
Molecular consequence: missense variant.
Genome position (GRCh38, 1-based): chr1:201,372,151, G>T on the plus strand (C>A on the coding strand, the complement: TNNT2 is on the minus strand). VCF-style: chr1-201372151-G-T. GRCh37 (hg19) VCF-style: chr1-201341279-G-T.
Other names: c.46C>A, p.Gln16Lys (NM_000364.4, NM_001001430.3, NM_001001431.3 and 3 more transcripts); short protein forms Q16K.
Identifiers: ClinVar variation 930401 (VCV000930401.3), dbSNP rs1660718949, ClinGen allele CA028859.

ClinVar aggregate classification (germline): Uncertain significance (1 of 4 stars; one submission).

Conditions:
Dilated cardiomyopathy 1D. Identifiers: Orphanet 154, Orphanet 54260, MedGen C1832243, MONDO:0011095, OMIM 601494.

Submission:

Centre for Mendelian Genomics, University Medical Centre Ljubljana
Classification: Uncertain significance for Dilated cardiomyopathy 1D. Last evaluated: 2016-01-01. Review status: criteria provided, single submitter. Criteria: ACMG Guidelines, 2015. Collection method: clinical testing. Allele origin: unknown. Affected: yes.
Comment: This variant was classified as: Uncertain significance. The following ACMG criteria were applied in classifying this variant: PM2,PP3,PP4.